The following is an entry in ClinVar:

NM_002519.3(NPAT):c.98A>G (p.Asp33Gly)

Gene: NPAT (nuclear protein, coactivator of histone transcription; minus strand). Cytogenetic location: 11q22.3.
Variant type: single nucleotide variant.
Coding change: c.98A>G on transcript NM_002519.3 (MANE Select); coding-DNA position 98, A replaced by G.
Protein change: p.Asp33Gly; replaces aspartic acid 33 with glycine.
Molecular consequence: missense variant.
Genome position (GRCh38, 1-based): chr11:108,197,360, T>C on the plus strand (A>G on the coding strand, the complement: NPAT is on the minus strand). VCF-style: chr11-108197360-T-C. GRCh37 (hg19) VCF-style: chr11-108068087-T-C.
Other names: c.98A>G, p.Asp33Gly (NM_001321307.1); short protein forms D33G.
Identifiers: ClinVar variation 1768538 (VCV001768538.2), dbSNP rs2496760130, ClinGen allele CA382528309.

ClinVar aggregate classification (germline): Uncertain significance (1 of 4 stars; one submission).

Submission:

Ambry Genetics
Classification: Uncertain significance. Last evaluated: 2022-03-16. Review status: criteria provided, single submitter. Criteria: Ambry Variant Classification Scheme 2023. Collection method: clinical testing. Allele origin: germline.
Comment: The p.D33G variant (also known as c.98A>G), located in coding exon 2 of the NPAT gene, results from an A to G substitution at nucleotide position 98. The aspartic acid at codon 33 is replaced by glycine, an amino acid with similar properties. This amino acid position is conserved. In addition, this alteration is predicted to be tolerated by in silico analysis. Since supporting evidence is limited at this time, the clinical significance of this alteration remains unclear.